The following is an entry in ClinVar:

ClinVar aggregate classification (germline): Uncertain significance. Review status: criteria provided, multiple submitters, no conflicts (2 of 4 stars). 2 submissions from 2 submitters: Uncertain significance (2). Last evaluated 2024-05-09.

Allele frequency attached by ClinVar (database versions not stated): gnomAD exomes below 0.00001; TOPMed 0.00008.
gnomAD v4.1: 23 of 1,613,862 alleles (0.0014%); highest among the groups gnomAD compares: Admixed American, 0.015%; no homozygotes.

Submissions (2):

Labcorp Genetics (formerly Invitae), Labcorp
Classification: Uncertain significance. Last evaluated: 2024-05-09. Review status: criteria provided, single submitter. Criteria: Invitae Variant Classification Sherloc (09022015). Collection method: clinical testing. Allele origin: germline.
Comment: This sequence change replaces alanine, which is neutral and non-polar, with threonine, which is neutral and polar, at codon 127 of the CLCN6 protein (p.Ala127Thr). This variant is present in population databases (no rsID available, gnomAD 0.004%). This variant has not been reported in the literature in individuals affected with CLCN6-related conditions. ClinVar contains an entry for this variant (Variation ID: 1421879). An algorithm developed to predict the effect of missense changes on protein structure and function (PolyPhen-2) suggests that this variant is likely to be tolerated. In summary, the available evidence is currently insufficient to determine the role of this variant in disease. Therefore, it has been classified as a Variant of Uncertain Significance.

Ambry Genetics
Classification: Uncertain significance. Last evaluated: 2023-12-16. Review status: criteria provided, single submitter. Criteria: Ambry Variant Classification Scheme 2023. Collection method: clinical testing. Allele origin: germline.

NM_001286.5(CLCN6):c.379G>A (p.Ala127Thr)

Gene: CLCN6 (chloride voltage-gated channel 6; plus strand). Cytogenetic location: 1p36.22.
Variant type: single nucleotide variant.
Coding change: c.379G>A on transcript NM_001286.5 (MANE Select); coding-DNA position 379, G replaced by A.
Protein change: p.Ala127Thr; replaces alanine 127 with threonine.
Molecular consequence: missense variant. On other transcripts: non-coding transcript variant (1).
Genome position (GRCh38, 1-based): chr1:11,822,727, G>A. VCF-style: chr1-11822727-G-A. GRCh37 (hg19) VCF-style: chr1-11882784-G-A.
Other names: c.379G>A (NM_001286.2); c.313G>A, p.Ala105Thr (NM_001256959.2); short protein forms A105T, A127T.
Identifiers: ClinVar variation 1421879 (VCV001421879.9), dbSNP rs1392874369, ClinGen allele CA338427222.
Genomic context (GRCh38, chr1:11,822,727, plus strand): 5'-ACAAGTTTCCTTAACCCAGTTTCCGCAGCGGTGGAGGAGTGCAGCCAGAAAGGCTGCCTC[G>A]CTCTGTCTCTCCTTGAACTCCTGGGTTTTAACCTCACCTTTGTCTTCCTGGCAAGCCTCC-3'
Protein context (NP_001277.2, residues 117-137): VEECSQKGCL[Ala127Thr]LSLLELLGFN